The following is an entry in ClinVar:

ClinVar aggregate classification (germline): Uncertain significance (1 of 4 stars; one submission).

Conditions:
Epileptic encephalopathy. Identifiers: MedGen C0543888, HP:0200134.

Allele frequency attached by ClinVar (database versions not stated): gnomAD 0.00001; gnomAD exomes 0.00001; TOPMed 0.00001; ExAC 0.00002.
gnomAD v4.1: 15 of 1,613,090 alleles (0.00093%); highest among the groups gnomAD compares: Non-Finnish European, 0.0011%; no homozygotes.

Submission:

Labcorp Genetics (formerly Invitae), Labcorp
Classification: Uncertain significance for Epileptic encephalopathy. Last evaluated: 2020-08-02. Review status: criteria provided, single submitter. Criteria: Invitae Variant Classification Sherloc (09022015). Collection method: clinical testing. Allele origin: germline.
Comment: In summary, the available evidence is currently insufficient to determine the role of this variant in disease. Therefore, it has been classified as a Variant of Uncertain Significance. Algorithms developed to predict the effect of sequence changes on RNA splicing suggest that this variant may create or strengthen a splice site, but this prediction has not been confirmed by published transcriptional studies. Algorithms developed to predict the effect of missense changes on protein structure and function (SIFT, PolyPhen-2, Align-GVGD) all suggest that this variant is likely to be disruptive, but these predictions have not been confirmed by published functional studies and their clinical significance is uncertain. This variant has not been reported in the literature in individuals with RYR3-related conditions. This variant is present in population databases (rs769499365, ExAC 0.02%). This sequence change replaces asparagine with serine at codon 608 of the RYR3 protein (p.Asn608Ser). The asparagine residue is highly conserved and there is a small physicochemical difference between asparagine and serine.

NM_001036.6(RYR3):c.1823A>G (p.Asn608Ser)

Gene: RYR3 (ryanodine receptor 3; plus strand). Cytogenetic location: 15q14.
Variant type: single nucleotide variant.
Coding change: c.1823A>G on transcript NM_001036.6 (MANE Select); coding-DNA position 1823, A replaced by G.
Protein change: p.Asn608Ser; replaces asparagine 608 with serine.
Molecular consequence: missense variant.
Genome position (GRCh38, 1-based): chr15:33,601,453, A>G. VCF-style: chr15-33601453-A-G. GRCh37 (hg19) VCF-style: chr15-33893654-A-G.
Other names: c.1823A>G, p.Asn608Ser (NM_001243996.4); short protein forms N608S.
Identifiers: ClinVar variation 1010266 (VCV001010266.8), dbSNP rs769499365, ClinGen allele CA7458255.